The following is an entry in ClinVar:

ClinVar aggregate classification (germline): Uncertain significance (1 of 4 stars; one submission).

Conditions:
Spastic paraplegia. Identifiers: MedGen C0037772, HP:0001258.

gnomAD v4.1: 2 of 1,614,012 alleles (0.00012%); highest among the groups gnomAD compares: Non-Finnish European, 0.00017%; no homozygotes.

Submission:

Labcorp Genetics (formerly Invitae), Labcorp
Classification: Uncertain significance for Spastic paraplegia. Last evaluated: 2024-11-27. Review status: criteria provided, single submitter. Criteria: Invitae Variant Classification Sherloc (09022015). Collection method: clinical testing. Allele origin: germline.
Comment: This sequence change replaces serine, which is neutral and polar, with proline, which is neutral and non-polar, at codon 359 of the ZFYVE27 protein (p.Ser359Pro). This variant is present in population databases (rs763789485, gnomAD 0.0009%). This variant has not been reported in the literature in individuals affected with ZFYVE27-related conditions. An algorithm developed to predict the effect of missense changes on protein structure and function (PolyPhen-2) suggests that this variant is likely to be tolerated. In summary, the available evidence is currently insufficient to determine the role of this variant in disease. Therefore, it has been classified as a Variant of Uncertain Significance.

NM_001385875.1(ZFYVE27):c.1060T>C (p.Ser354Pro)

Gene: ZFYVE27 (zinc finger FYVE-type containing 27; plus strand). Cytogenetic location: 10q24.2.
Variant type: single nucleotide variant.
Coding change: c.1060T>C on transcript NM_001385875.1 (MANE Select); coding-DNA position 1060, T replaced by C.
Protein change: p.Ser354Pro; replaces serine 354 with proline.
Molecular consequence: missense variant. On other transcripts: non-coding transcript variant (16).
Genome position (GRCh38, 1-based): chr10:97,757,282, T>C. VCF-style: chr10-97757282-T-C. GRCh37 (hg19) VCF-style: chr10-99517039-T-C.
Other names: c.1039T>C, p.Ser347Pro (NM_001385880.1, NM_001385881.1, NM_001385883.1 and 2 more transcripts); c.1054T>C, p.Ser352Pro (NM_001385882.1, NM_001385878.1, NM_001385879.1); c.979T>C, p.Ser327Pro (NM_001385885.1); c.958T>C, p.Ser320Pro (NM_001385886.1, NM_001385887.1, NM_001385888.1); c.1075T>C, p.Ser359Pro (NM_001002261.4, NM_001385871.1); c.943T>C, p.Ser315Pro (NM_001174119.2, NM_001385889.1); c.781T>C, p.Ser261Pro (NM_001174120.2); c.760T>C, p.Ser254Pro (NM_001174121.2, NM_001385915.1); and 14 more; short protein forms S291P, S315P, S320P, S327P, S347P, S352P, S353P, S354P.
Identifiers: ClinVar variation 3624737 (VCV003624737.2).